The following is an entry in ClinVar:

ClinVar aggregate classification (germline): Uncertain significance (1 of 4 stars; one submission).

Submission:

GeneDx
Classification: Uncertain significance. Last evaluated: 2020-10-16. Review status: criteria provided, single submitter. Criteria: GeneDx Variant Classification Process June 2021. Collection method: clinical testing. Allele origin: germline. Affected: yes.
Comment: Not observed in large population cohorts (Lek et al., 2016); In silico analysis supports that this missense variant has a deleterious effect on protein structure/function; Has not been previously published as pathogenic or benign to our knowledge

NM_022893.4(BCL11A):c.2337T>G (p.Cys779Trp)

Gene: BCL11A (BCL11 transcription factor A; minus strand). Cytogenetic location: 2p16.1.
Variant type: single nucleotide variant.
Coding change: c.2337T>G on transcript NM_022893.4 (MANE Select); coding-DNA position 2337, T replaced by G.
Protein change: p.Cys779Trp; replaces cysteine 779 with tryptophan.
Molecular consequence: missense variant. On other transcripts: intron variant (2).
Genome position (GRCh38, 1-based): chr2:60,460,575, A>C on the plus strand (T>G on the coding strand, the complement: BCL11A is on the minus strand). VCF-style: chr2-60460575-A-C. GRCh37 (hg19) VCF-style: chr2-60687710-A-C.
Other names: c.2235T>G, p.Cys745Trp (NM_001363864.1, NM_001365609.1); c.630+1707T>G (NM_138559.2); c.2230+107T>G (NM_018014.4); short protein forms C745W, C779W.
Identifiers: ClinVar variation 1313401 (VCV001313401.2), dbSNP rs2103822086, ClinGen allele CA347036026.